The following is an entry in ClinVar:

ClinVar aggregate classification (germline): Uncertain significance (1 of 4 stars; one submission).

Conditions:
Charcot-Marie-Tooth disease type 2. Also called: Charcot-Marie-Tooth type 2. Identifiers: Orphanet 64746, MedGen C0270914, MONDO:0018993.

Allele frequency attached by ClinVar (database versions not stated): gnomAD exomes below 0.00001.

Submission:

Labcorp Genetics (formerly Invitae), Labcorp
Classification: Uncertain significance for Charcot-Marie-Tooth disease type 2. Last evaluated: 2021-02-03. Review status: criteria provided, single submitter. Criteria: Invitae Variant Classification Sherloc (09022015). Collection method: clinical testing. Allele origin: germline.
Comment: In summary, the available evidence is currently insufficient to determine the role of this variant in disease. Therefore, it has been classified as a Variant of Uncertain Significance. Algorithms developed to predict the effect of missense changes on protein structure and function (SIFT, PolyPhen-2, Align-GVGD) all suggest that this variant is likely to be tolerated, but these predictions have not been confirmed by published functional studies and their clinical significance is uncertain. This variant has not been reported in the literature in individuals with MFN2-related disease. This variant is not present in population databases (ExAC no frequency). This sequence change replaces cysteine with arginine at codon 8 of the MFN2 protein (p.Cys8Arg). The cysteine residue is weakly conserved and there is a large physicochemical difference between cysteine and arginine.

NM_014874.4(MFN2):c.22T>C (p.Cys8Arg)

Gene: MFN2 (mitofusin 2; plus strand). Cytogenetic location: 1p36.22.
Variant type: single nucleotide variant.
Coding change: c.22T>C on transcript NM_014874.4 (MANE Select); coding-DNA position 22, T replaced by C.
Protein change: p.Cys8Arg; replaces cysteine 8 with arginine.
Molecular consequence: missense variant.
Genome position (GRCh38, 1-based): chr1:11,989,190, T>C. VCF-style: chr1-11989190-T-C. GRCh37 (hg19) VCF-style: chr1-12049247-T-C.
Other names: c.22T>C, p.Cys8Arg (NM_001127660.2); short protein forms C8R.
Identifiers: ClinVar variation 543206 (VCV000543206.8), dbSNP rs1342700068, ClinGen allele CA338459162.